The following is an entry in ClinVar:

ClinVar aggregate classification (germline): Uncertain significance. Review status: criteria provided, multiple submitters, no conflicts (2 of 4 stars). 2 submissions from 2 submitters: Uncertain significance (2). Last evaluated 2025-10-27.

Conditions:
GRN-related frontotemporal lobar degeneration with Tdp43 inclusions (FTD2). Also called: DEMENTIA, HEREDITARY DYSPHASIC DISINHIBITION; FRONTOTEMPORAL LOBAR DEGENERATION WITH UBIQUITIN-POSITIVE INCLUSIONS; FTLD-TDP, GRN-RELATED; GRN Frontotemporal Dementia; FRONTOTEMPORAL DEMENTIA WITH TDP43 INCLUSIONS, GRN-RELATED. Identifiers: Orphanet 100070, Orphanet 282, MedGen C1843792, MONDO:0011842, OMIM 607485. Disease mechanism: loss of function.
Neuronal ceroid lipofuscinosis 11. Also called: GRN-Related Neuronal Ceroid-Lipofuscinosis. Identifiers: Orphanet 314629, Orphanet 79262, MedGen C3539123, MONDO:0013866, OMIM 614706.

Allele frequency attached by ClinVar (database versions not stated): gnomAD 0.00002; TOPMed 0.00002; ExAC 0.00007.
gnomAD v4.1: 100 of 1,614,032 alleles (0.0062%); highest among the groups gnomAD compares: South Asian, 0.018%; no homozygotes.

Submissions (2):

Labcorp Genetics (formerly Invitae), Labcorp
Classification: Uncertain significance for Neuronal ceroid lipofuscinosis 11; GRN-related frontotemporal lobar degeneration with Tdp43 inclusions. Last evaluated: 2025-10-27. Review status: criteria provided, single submitter. Criteria: Invitae Variant Classification Sherloc (09022015). Collection method: clinical testing. Allele origin: germline.
Comment: This sequence change replaces glycine, which is neutral and non-polar, with serine, which is neutral and polar, at codon 70 of the GRN protein (p.Gly70Ser). This variant is present in population databases (rs772381732, gnomAD 0.02%). This missense change has been observed in individual(s) with frontotemporal dementia (PMID: 20142524). ClinVar contains an entry for this variant (Variation ID: 1463758). An algorithm developed to predict the effect of missense changes on protein structure and function outputs the following: PolyPhen-2: "Benign". The serine amino acid residue is found in multiple mammalian species, which suggests that this missense change does not adversely affect protein function. In summary, the available evidence is currently insufficient to determine the role of this variant in disease. Therefore, it has been classified as a Variant of Uncertain Significance.

Fulgent Genetics
Classification: Uncertain significance for GRN-related frontotemporal lobar degeneration with Tdp43 inclusions; Neuronal ceroid lipofuscinosis 11. Last evaluated: 2021-11-17. Review status: criteria provided, single submitter. Criteria: ACMG Guidelines, 2015. Collection method: clinical testing. Allele origin: unknown.

Literature cited by the submitters: PubMed 20142524 (cited by Labcorp Genetics (formerly Invitae), Labcorp).

NM_002087.4(GRN):c.208G>A (p.Gly70Ser)

Gene: GRN (granulin precursor; plus strand). Cytogenetic location: 17q21.31.
Variant type: single nucleotide variant.
Coding change: c.208G>A on transcript NM_002087.4 (MANE Select); coding-DNA position 208, G replaced by A.
Protein change: p.Gly70Ser; replaces glycine 70 with serine.
Molecular consequence: missense variant.
Genome position (GRCh38, 1-based): chr17:44,349,495, G>A. VCF-style: chr17-44349495-G-A. GRCh37 (hg19) VCF-style: chr17-42426863-G-A.
Other names: short protein forms G70S.
Identifiers: ClinVar variation 1463758 (VCV001463758.9), dbSNP rs772381732, ClinGen allele CA8601790.